The following is an entry in ClinVar:

ClinVar aggregate classification (germline): Uncertain significance. Review status: criteria provided, multiple submitters, no conflicts (2 of 4 stars). 2 submissions from 2 submitters: Uncertain significance (2). Last evaluated 2026-08-07.

Conditions:
Multiple endocrine neoplasia, type 1 (MEN1). Also called: MEA I; MEN I; WERMER SYNDROME; Endocrine adenomatosis multiple; MEN 1. Identifiers: Orphanet 652, MedGen C0025267, MeSH D018761, MONDO:0007540, OMIM 131100.
Hereditary cancer-predisposing syndrome. Also called: Tumor predisposition; Hereditary neoplastic syndrome; Neoplastic Syndromes, Hereditary; Hereditary Cancer Syndrome. Identifiers: Orphanet 140162, MedGen C0027672, MeSH D009386, MONDO:0015356.

Submissions (2):

Ambry Genetics
Classification: Uncertain significance for Hereditary cancer-predisposing syndrome. Last evaluated: 2026-08-07. Review status: criteria provided, single submitter. Criteria: Ambry Variant Classification Scheme 2023. Collection method: clinical testing. Allele origin: germline.
Comment: The p.R52H variant (also known as c.155G>A), located in coding exon 1 of the MEN1 gene, results from a G to A substitution at nucleotide position 155. The arginine at codon 52 is replaced by histidine, an amino acid with highly similar properties. This amino acid position is highly conserved in available vertebrate species. In addition, this alteration is predicted to be deleterious by in silico analysis. Based on the available evidence, the clinical significance of this variant remains unclear.

Labcorp Genetics (formerly Invitae), Labcorp
Classification: Uncertain significance for Multiple endocrine neoplasia, type 1. Last evaluated: 2022-11-23. Review status: criteria provided, single submitter. Criteria: Invitae Variant Classification Sherloc (09022015). Collection method: clinical testing. Allele origin: germline.
Comment: In summary, the available evidence is currently insufficient to determine the role of this variant in disease. Therefore, it has been classified as a Variant of Uncertain Significance. This sequence change replaces arginine, which is basic and polar, with histidine, which is basic and polar, at codon 52 of the MEN1 protein (p.Arg52His). This variant is not present in population databases (gnomAD no frequency). This variant has not been reported in the literature in individuals affected with MEN1-related conditions. ClinVar contains an entry for this variant (Variation ID: 847070). Advanced modeling of protein sequence and biophysical properties (such as structural, functional, and spatial information, amino acid conservation, physicochemical variation, residue mobility, and thermodynamic stability) performed at Invitae indicates that this missense variant is expected to disrupt MEN1 protein function.

NM_001370259.2(MEN1):c.155G>A (p.Arg52His)

Gene: MEN1 (menin 1; minus strand). Cytogenetic location: 11q13.1.
Variant type: single nucleotide variant.
Coding change: c.155G>A on transcript NM_001370259.2 (MANE Select); coding-DNA position 155, G replaced by A.
Protein change: p.Arg52His; replaces arginine 52 with histidine.
Molecular consequence: missense variant.
Genome position (GRCh38, 1-based): chr11:64,809,955, C>T on the plus strand (G>A on the coding strand, the complement: MEN1 is on the minus strand). VCF-style: chr11-64809955-C-T. GRCh37 (hg19) VCF-style: chr11-64577427-C-T.
Other names: c.155G>A, p.Arg52His (NM_130802.3, NM_130803.3, NM_130804.3 and 9 more transcripts); short protein forms R52H.
Identifiers: ClinVar variation 847070 (VCV000847070.13), dbSNP rs1942010221, ClinGen allele CA381187768.
Genomic context (GRCh38, chr11:64,809,955, plus strand): 5'-GGCGGGTCGGGGGCGGGGCTGGGCTGGAAGGTGAGCTCGGGAACGTTGGTAGGGATGACG[C>T]GGTTGACAGCCAGAAAATGCTCCACGAAGCCCAGCACCAAGGAAAGGAGCACCAGGTCCG-3'
Protein context (NP_001357188.2, residues 42-62): GFVEHFLAVN[Arg52His]VIPTNVPELT